The following is an entry in ClinVar:

NM_001385641.1(SAMD11):c.1267C>T (p.Pro423Ser)

Gene: SAMD11 (sterile alpha motif domain containing 11; plus strand). Cytogenetic location: 1p36.33.
Variant type: single nucleotide variant.
Coding change: c.1267C>T on transcript NM_001385641.1 (MANE Select); coding-DNA position 1267, C replaced by T.
Protein change: p.Pro423Ser; replaces proline 423 with serine.
Molecular consequence: missense variant.
Genome position (GRCh38, 1-based): chr1:941,215, C>T. VCF-style: chr1-941215-C-T. GRCh37 (hg19) VCF-style: chr1-876595-C-T.
Other names: c.1270C>T, p.Pro424Ser (NM_001385640.1); c.778C>T, p.Pro260Ser (NM_152486.4); c.778C>T (NM_152486.2); short protein forms P260S, P424S, P423S.
Identifiers: ClinVar variation 2062951 (VCV002062951.4), dbSNP rs1044063718, ClinGen allele CA16721229.

ClinVar aggregate classification (germline): Uncertain significance. Review status: criteria provided, multiple submitters, no conflicts (2 of 4 stars). 2 submissions from 2 submitters: Uncertain significance (2). Last evaluated 2025-03-03.

Allele frequency attached by ClinVar (database versions not stated): TOPMed 0.00002; gnomAD exomes 0.00005; gnomAD 0.00006; 1000 Genomes Project 30x 0.00016.
gnomAD v4.1: 76 of 1,601,532 alleles (0.0047%); highest among the groups gnomAD compares: Admixed American, 0.0068%; no homozygotes.

Submissions (2):

Labcorp Genetics (formerly Invitae), Labcorp
Classification: Uncertain significance. Last evaluated: 2025-03-03. Review status: criteria provided, single submitter. Criteria: Invitae Variant Classification Sherloc (09022015). Collection method: clinical testing. Allele origin: germline.
Comment: This sequence change replaces proline, which is neutral and non-polar, with serine, which is neutral and polar, at codon 260 of the SAMD11 protein (p.Pro260Ser). This variant is present in population databases (no rsID available, gnomAD 0.01%). This variant has not been reported in the literature in individuals affected with SAMD11-related conditions. ClinVar contains an entry for this variant (Variation ID: 2062951). An algorithm developed to predict the effect of missense changes on protein structure and function (PolyPhen-2) suggests that this variant is likely to be disruptive. In summary, the available evidence is currently insufficient to determine the role of this variant in disease. Therefore, it has been classified as a Variant of Uncertain Significance.

Ambry Genetics
Classification: Uncertain significance. Last evaluated: 2024-06-17. Review status: criteria provided, single submitter. Criteria: Ambry Variant Classification Scheme 2023. Collection method: clinical testing. Allele origin: germline.